The following is an entry in ClinVar:

NM_024105.4(ALG12):c.428A>C (p.Tyr143Ser)

Gene: ALG12 (ALG12 alpha-1,6-mannosyltransferase; minus strand). Cytogenetic location: 22q13.33.
Variant type: single nucleotide variant.
Coding change: c.428A>C on transcript NM_024105.4 (MANE Select); coding-DNA position 428, A replaced by C.
Protein change: p.Tyr143Ser; replaces tyrosine 143 with serine.
Molecular consequence: missense variant.
Genome position (GRCh38, 1-based): chr22:49,910,475, T>G on the plus strand (A>C on the coding strand, the complement: ALG12 is on the minus strand). VCF-style: chr22-49910475-T-G. GRCh37 (hg19) VCF-style: chr22-50304123-T-G.
Other names: short protein forms Y143S.
Identifiers: ClinVar variation 1990583 (VCV001990583.4), dbSNP rs931786483, ClinGen allele CA412077621.

ClinVar aggregate classification (germline): Uncertain significance (1 of 4 stars; one submission).

Conditions:
ALG12-congenital disorder of glycosylation (CDG1G). Also called: ALG12-CDG; CDG Ig; Congenital disorder of glycosylation, type Ig. Identifiers: Orphanet 79324, MedGen C2931001, MONDO:0011783, OMIM 607143.

gnomAD v4.1: 1 of 1,613,606 alleles (0.000062%); highest among the groups gnomAD compares: African/African-American, 0.0013%; no homozygotes.

Submission:

Labcorp Genetics (formerly Invitae), Labcorp
Classification: Uncertain significance for ALG12-congenital disorder of glycosylation. Last evaluated: 2022-05-14. Review status: criteria provided, single submitter. Criteria: Invitae Variant Classification Sherloc (09022015). Collection method: clinical testing. Allele origin: germline.
Comment: In summary, the available evidence is currently insufficient to determine the role of this variant in disease. Therefore, it has been classified as a Variant of Uncertain Significance. Algorithms developed to predict the effect of missense changes on protein structure and function are either unavailable or do not agree on the potential impact of this missense change (SIFT: "Deleterious"; PolyPhen-2: "Probably Damaging"; Align-GVGD: "Class C0"). This sequence change replaces tyrosine, which is neutral and polar, with serine, which is neutral and polar, at codon 143 of the ALG12 protein (p.Tyr143Ser). This variant is not present in population databases (gnomAD no frequency). This variant has not been reported in the literature in individuals affected with ALG12-related conditions.